The following is an entry in ClinVar:

NM_181882.3(PRX):c.138G>C (p.Glu46Asp)

Genes: PRX (periaxin; minus strand), LOC130064454 (ATAC-STARR-seq lymphoblastoid active region 14650; plus strand). Cytogenetic location: 19q13.2.
Variant type: single nucleotide variant.
Coding change: c.138G>C on transcript NM_181882.3 (MANE Select); coding-DNA position 138, G replaced by C.
Protein change: p.Glu46Asp; replaces glutamic acid 46 with aspartic acid.
Molecular consequence: missense variant.
Genome position (GRCh38, 1-based): chr19:40,403,752, C>G on the plus strand (G>C on the coding strand, the complement: PRX is on the minus strand). VCF-style: chr19-40403752-C-G. GRCh37 (hg19) VCF-style: chr19-40909659-C-G.
Other names: c.138G>C, p.Glu46Asp (NM_020956.2); short protein forms E46D.
Identifiers: ClinVar variation 961704 (VCV000961704.9), dbSNP rs1477884504, ClinGen allele CA405901790.

ClinVar aggregate classification (germline): Uncertain significance. Review status: criteria provided, multiple submitters, no conflicts (2 of 4 stars). 2 submissions from 2 submitters: Uncertain significance (2). Last evaluated 2022-04-01.

Conditions:
Inborn genetic diseases. Identifiers: MedGen C0950123, MeSH D030342.
Charcot-Marie-Tooth disease type 4. Also called: Charcot-Marie-Tooth disease, type IV; Charcot-Marie-Tooth, Type 4. Identifiers: Orphanet 64749, MedGen C4082197, MONDO:0018995.

Allele frequency attached by ClinVar (database versions not stated): gnomAD exomes 0.00001.
gnomAD v4.1: 10 of 1,582,608 alleles (0.00063%); highest among the groups gnomAD compares: Non-Finnish European, 0.00086%; no homozygotes.

Submissions (2):

Labcorp Genetics (formerly Invitae), Labcorp
Classification: Uncertain significance for Charcot-Marie-Tooth disease type 4. Last evaluated: 2022-04-01. Review status: criteria provided, single submitter. Criteria: Invitae Variant Classification Sherloc (09022015). Collection method: clinical testing. Allele origin: germline.
Comment: This sequence change replaces glutamic acid, which is acidic and polar, with aspartic acid, which is acidic and polar, at codon 46 of the PRX protein (p.Glu46Asp). This variant is present in population databases (no rsID available, gnomAD 0.002%). This variant has not been reported in the literature in individuals affected with PRX-related conditions. ClinVar contains an entry for this variant (Variation ID: 961704). Algorithms developed to predict the effect of missense changes on protein structure and function output the following: SIFT: "Tolerated"; PolyPhen-2: "Benign"; Align-GVGD: "Class C0". The aspartic acid amino acid residue is found in multiple mammalian species, which suggests that this missense change does not adversely affect protein function. In summary, the available evidence is currently insufficient to determine the role of this variant in disease. Therefore, it has been classified as a Variant of Uncertain Significance.

Ambry Genetics
Classification: Uncertain significance for Inborn genetic diseases. Last evaluated: 2020-02-18. Review status: criteria provided, single submitter. Criteria: Ambry Variant Classification Scheme 2023. Collection method: clinical testing. Allele origin: germline.
Comment: The p.E46D variant (also known as c.138G>C), located in coding exon 2 of the PRX gene, results from a G to C substitution at nucleotide position 138. The glutamic acid at codon 46 is replaced by aspartic acid, an amino acid with highly similar properties. This amino acid position is not well conserved in available vertebrate species. In addition, this alteration is predicted to be tolerated by in silico analysis. Since supporting evidence is limited at this time, the clinical significance of this alteration remains unclear.